The following is an entry in ClinVar:

ClinVar aggregate classification (germline): Uncertain significance. Review status: criteria provided, multiple submitters, no conflicts (2 of 4 stars). 2 submissions from 2 submitters: Uncertain significance (2). Last evaluated 2025-10-01.

Submissions (2):

Ambry Genetics
Classification: Uncertain significance. Last evaluated: 2025-10-01. Review status: criteria provided, single submitter. Criteria: Ambry Variant Classification Scheme 2023. Collection method: clinical testing. Allele origin: germline.

Labcorp Genetics (formerly Invitae), Labcorp
Classification: Uncertain significance. Last evaluated: 2025-02-19. Review status: criteria provided, single submitter. Criteria: Invitae Variant Classification Sherloc (09022015). Collection method: clinical testing. Allele origin: germline.
Comment: This sequence change replaces serine, which is neutral and polar, with glycine, which is neutral and non-polar, at codon 1597 of the NYNRIN protein (p.Ser1597Gly). This variant is not present in population databases (gnomAD no frequency). This variant has not been reported in the literature in individuals affected with NYNRIN-related conditions. An algorithm developed to predict the effect of missense changes on protein structure and function outputs the following: PolyPhen-2: "Not Available". The glycine amino acid residue is found in multiple mammalian species, which suggests that this missense change does not adversely affect protein function. In summary, the available evidence is currently insufficient to determine the role of this variant in disease. Therefore, it has been classified as a Variant of Uncertain Significance.

NM_025081.3(NYNRIN):c.4789A>G (p.Ser1597Gly)

Gene: NYNRIN (NYN domain and retroviral integrase containing; plus strand). Cytogenetic location: 14q12.
Variant type: single nucleotide variant.
Coding change: c.4789A>G on transcript NM_025081.3 (MANE Select); coding-DNA position 4789, A replaced by G.
Protein change: p.Ser1597Gly; replaces serine 1597 with glycine.
Molecular consequence: missense variant.
Genome position (GRCh38, 1-based): chr14:24,416,538, A>G. VCF-style: chr14-24416538-A-G. GRCh37 (hg19) VCF-style: chr14-24885744-A-G.
Other names: short protein forms S1597G.
Identifiers: ClinVar variation 4560353 (VCV004560353.2).
Genomic context (GRCh38, chr14:24,416,538, plus strand): 5'-GAGCATGTGAAAGATTACTGCAGGAGCTGCTTGTTCTGCATCCCCCGAAATCTCATAGGC[A>G]GCGAGTTGAAGGTTATTGAGTCCCCATGGCCCCTCAGGTCGACCGCCCCCTGGTCGAACC-3'
Protein context (NP_079357.2, residues 1587-1607): LFCIPRNLIG[Ser1597Gly]ELKVIESPWP